The following is an entry in ClinVar:

NM_170754.4(TNS2):c.2453A>C (p.Tyr818Ser)

Gene: TNS2 (tensin 2; plus strand). Cytogenetic location: 12q13.13.
Variant type: single nucleotide variant.
Coding change: c.2453A>C on transcript NM_170754.4 (MANE Select); coding-DNA position 2453, A replaced by C.
Protein change: p.Tyr818Ser; replaces tyrosine 818 with serine.
Molecular consequence: missense variant.
Genome position (GRCh38, 1-based): chr12:53,060,094, A>C. VCF-style: chr12-53060094-A-C. GRCh37 (hg19) VCF-style: chr12-53453878-A-C.
Other names: c.2453A>C, p.Tyr818Ser (NM_001416202.1); c.2411A>C, p.Tyr804Ser (NM_001416203.1); c.2480A>C, p.Tyr827Ser (NM_001416204.1); c.2384A>C, p.Tyr795Ser (NM_015319.3); c.2081A>C, p.Tyr694Ser (NM_198316.2); short protein forms Y694S, Y795S, Y804S, Y818S, Y827S.
Identifiers: ClinVar variation 2643040 (VCV002643040.24), dbSNP rs922519351, ClinGen allele CA237298555.

ClinVar aggregate classification (germline): Uncertain significance (1 of 4 stars; one submission).

gnomAD v4.1: 4 of 1,611,274 alleles (0.00025%); highest among the groups gnomAD compares: Non-Finnish European, 0.00034%; no homozygotes.

Submission:

CeGaT Center for Human Genetics Tuebingen
Classification: Uncertain significance. Last evaluated: 2023-03-01. Review status: criteria provided, single submitter. Criteria: CeGaT Center For Human Genetics Tuebingen Variant Classification Criteria Version 2. Collection method: clinical testing. Allele origin: germline. Affected: yes. Observed: 1 variant allele.
Comment: TNS2: PM2